The following is an entry in ClinVar:

NM_000421.5(KRT10):c.964A>T (p.Arg322Ter)

Genes: KRT10 (keratin 10; minus strand), KRT10-AS1 (KRT10 antisense RNA 1; plus strand), LOC126862559 (BRD4-independent group 4 enhancer GRCh37_chr17:38975907-38977106; plus strand). Cytogenetic location: 17q21.2.
Variant type: single nucleotide variant.
Coding change: c.964A>T on transcript NM_000421.5 (MANE Select); coding-DNA position 964, A replaced by T.
Protein change: p.Arg322Ter; replaces arginine 322 with a stop codon.
Molecular consequence: nonsense.
Genome position (GRCh38, 1-based): chr17:40,820,327, T>A on the plus strand (A>T on the coding strand, the complement: KRT10 is on the minus strand). VCF-style: chr17-40820327-T-A. GRCh37 (hg19) VCF-style: chr17-38976579-T-A.
Other names: c.964A>T, p.Arg322Ter (NM_001379366.1); short protein forms R322*.
Identifiers: ClinVar variation 4850448 (VCV004850448.1).
Genomic context (GRCh38, chr17:40,820,327, plus strand): 5'-CATTGAACCAGGCTTCAGCATCTTTGCGGTTTTGTTCAGCAAGTTGTTCATATTGGCTTC[T>A]CATGTTATTCAGAAGTTGAGTCAGATCAACACCCGGGGCAGCATTCATTTCCACATTCAC-3'

ClinVar aggregate classification (germline): Likely pathogenic (1 of 4 stars; one submission).

Conditions:
Epidermolytic hyperkeratosis 2B, autosomal recessive (EHK2B). Identifiers: MedGen C5882753, MONDO:0700245, OMIM 620707.

Submission:

First Genomix Gene Laboratory, Genetic Diagnostics Department
Classification: Likely pathogenic for Epidermolytic hyperkeratosis 2B, autosomal recessive. Last evaluated: 2025-09-24. Review status: criteria provided, single submitter. Criteria: ACMG Guidelines, 2015. Collection method: clinical testing. Allele origin: germline. Inheritance: Autosomal recessive inheritance. Affected: no. Observed: 1 variant allele.